The following is an entry in ClinVar:

ClinVar aggregate classification (germline): Uncertain significance (1 of 4 stars; one submission).

Conditions:
Frontotemporal dementia and/or amyotrophic lateral sclerosis 1 (FTDALS1). Also called: Frontotemporal dementia with motor neuron disease 1; C9orf72 Frontotemporal Dementia and/or Amyotrophic Lateral Sclerosis. Identifiers: Orphanet 275872, MedGen C5779877, MONDO:0007105, OMIM 105550.
Paget disease of bone 2, early-onset (PDB2). Also called: Paget disease of bone 2. Identifiers: MedGen C4085251, MONDO:0011183, OMIM 602080.

Submission:

Labcorp Genetics (formerly Invitae), Labcorp
Classification: Uncertain significance for Paget disease of bone 2, early-onset; Frontotemporal dementia and/or amyotrophic lateral sclerosis 1. Last evaluated: 2024-10-17. Review status: criteria provided, single submitter. Criteria: Invitae Variant Classification Sherloc (09022015). Collection method: clinical testing. Allele origin: germline.
Comment: This sequence change replaces aspartic acid, which is acidic and polar, with leucine, which is neutral and non-polar, at codon 256 of the SQSTM1 protein (p.Asp256Leu). Information on the frequency of this variant in the gnomAD database is not available, as this variant may be reported differently in the database. This variant has not been reported in the literature in individuals affected with SQSTM1-related conditions. An algorithm developed to predict the effect of missense changes on protein structure and function (PolyPhen-2) suggests that this variant is likely to be disruptive. In summary, the available evidence is currently insufficient to determine the role of this variant in disease. Therefore, it has been classified as a Variant of Uncertain Significance.

NM_003900.5(SQSTM1):c.766_767delinsCT (p.Asp256Leu)

Gene: SQSTM1 (sequestosome 1; plus strand). Cytogenetic location: 5q35.3.
Variant type: Indel.
Coding change: c.766_767delinsCT on transcript NM_003900.5 (MANE Select); coding-DNA positions 766 to 767, GA replaced by CT.
Protein change: p.Asp256Leu; replaces aspartic acid 256 with leucine.
Molecular consequence: missense variant.
Genome position (GRCh38, 1-based): chr5:179,833,043-179,833,044, GA replaced by CT. VCF-style: chr5-179833043-GA-CT. GRCh37 (hg19) VCF-style: chr5-179260043-GA-CT.
Other names: c.514_515delinsCT, p.Asp172Leu (NM_001142298.2, NM_001142299.2); short protein forms D172L, D256L.
Identifiers: ClinVar variation 2941655 (VCV002941655.3), dbSNP rs2480243867, ClinGen allele CA2740094215.
Genomic context (GRCh38, chr5:179,833,043, plus strand): 5'-GCATCCTTGGGGGAACTTCACGGCTTGCTCTTTCCTCCTCCGCCTCTAGGCATTGAAGTT[GA>CT]TATCGATGTGGAGCACGGAGGGAAAAGAAGCCGCCTGACCCCCGTCTCTCCAGAGAGTTC-3'
Protein context (NP_003891.1, residues 246-266): AALSPLGIEV[Asp256Leu]IDVEHGGKRS